The following is an entry in ClinVar:

ClinVar aggregate classification (germline): Uncertain significance (1 of 4 stars; one submission).

Conditions:
Cardiovascular phenotype. Identifiers: MedGen CN230736.

Submission:

Ambry Genetics
Classification: Uncertain significance for Cardiovascular phenotype. Last evaluated: 2024-11-03. Review status: criteria provided, single submitter. Criteria: Ambry Variant Classification Scheme 2023. Collection method: clinical testing. Allele origin: germline.
Comment: The p.S1391A variant (also known as c.4171T>G), located in coding exon 30 of the LAMA4 gene, results from a T to G substitution at nucleotide position 4171. The serine at codon 1391 is replaced by alanine, an amino acid with similar properties. This amino acid position is conserved. In addition, this alteration is predicted to be tolerated by in silico analysis. Based on the available evidence, the clinical significance of this variant remains unclear.

NM_001105206.3(LAMA4):c.4192T>G (p.Ser1398Ala)

Gene: LAMA4 (laminin subunit alpha 4; minus strand). Cytogenetic location: 6q21.
Variant type: single nucleotide variant.
Coding change: c.4192T>G on transcript NM_001105206.3 (MANE Select); coding-DNA position 4192, T replaced by G.
Protein change: p.Ser1398Ala; replaces serine 1398 with alanine.
Molecular consequence: missense variant.
Genome position (GRCh38, 1-based): chr6:112,129,017, A>C on the plus strand (T>G on the coding strand, the complement: LAMA4 is on the minus strand). VCF-style: chr6-112129017-A-C. GRCh37 (hg19) VCF-style: chr6-112450219-A-C.
Other names: c.4171T>G, p.Ser1391Ala (NM_001105207.3, NM_002290.5); short protein forms S1391A, S1398A.
Identifiers: ClinVar variation 3536969 (VCV003536969.1).
Genomic context (GRCh38, chr6:112,129,017, plus strand): 5'-TTTTTCCTTTTTTATGGAGGAGAAACAATGGTGAAGACTCAATGGGACACTCATAAAGAG[A>C]AGTGTGGACCTTTTCAGTATACCGTTGGAAATCTTCAACCTCCACATCTCTATCCACCCT-3'
Protein context (NP_001098676.2, residues 1388-1408): FQRYTEKVHT[Ser1398Ala]LYECPIESSP